The following is an entry in ClinVar:

NM_001009999.3(KDM1A):c.1736A>T (p.Asp579Val)

Gene: KDM1A (lysine demethylase 1A; plus strand). Cytogenetic location: 1p36.12.
Variant type: single nucleotide variant.
Coding change: c.1736A>T on transcript NM_001009999.3 (MANE Select); coding-DNA position 1736, A replaced by T.
Protein change: p.Asp579Val; replaces aspartic acid 579 with valine.
Molecular consequence: missense variant.
Genome position (GRCh38, 1-based): chr1:23,077,229, A>T. VCF-style: chr1-23077229-A-T. GRCh37 (hg19) VCF-style: chr1-23403722-A-T.
Other names: c.1682A>T, p.Asp561Val (NM_001363654.2); c.1664A>T, p.Asp555Val (NM_015013.4); short protein forms D555V, D561V, D579V.
Identifiers: ClinVar variation 1697992 (VCV001697992.2), dbSNP rs2124538211, ClinGen allele CA338969920.
Genomic context (GRCh38, chr1:23,077,229, plus strand): 5'-GGTGCAAATGACACAGATTAATAAAAGGTTGGAAATATGTTCTTTTCTCTCCTCTTTAGG[A>T]TGATGACTTTGAGTTCACTGGCAGCCACCTGACAGTAAGGAATGGCTACTCGTGTGTGCC-3'
Protein context (NP_001009999.1, residues 569-589): STLSLKHWDQ[Asp579Val]DDFEFTGSHL

ClinVar aggregate classification (germline): Likely pathogenic (1 of 4 stars; one submission).

Submission:

GeneDx
Classification: Likely pathogenic. Last evaluated: 2022-07-21. Review status: criteria provided, single submitter. Criteria: GeneDx Variant Classification Process June 2021. Collection method: clinical testing. Allele origin: germline. Affected: yes.
Comment: Not observed at significant frequency in large population cohorts (gnomAD); In silico analysis supports that this missense variant has a deleterious effect on protein structure/function; Has not been previously published as pathogenic or benign to our knowledge